The following is an entry in ClinVar:

NM_021098.3(CACNA1H):c.5035G>A (p.Asp1679Asn)

Gene: CACNA1H (calcium voltage-gated channel subunit alpha1 H; plus strand). Cytogenetic location: 16p13.3.
Variant type: single nucleotide variant.
Coding change: c.5035G>A on transcript NM_021098.3 (MANE Select); coding-DNA position 5035, G replaced by A.
Protein change: p.Asp1679Asn; replaces aspartic acid 1679 with asparagine.
Molecular consequence: missense variant.
Genome position (GRCh38, 1-based): chr16:1,215,077, G>A. VCF-style: chr16-1215077-G-A. GRCh37 (hg19) VCF-style: chr16-1265077-G-A.
Other names: c.5017G>A, p.Asp1673Asn (NM_001005407.2); short protein forms D1673N, D1679N.
Identifiers: ClinVar variation 2948671 (VCV002948671.3), dbSNP rs60087479, ClinGen allele CA276607954.

ClinVar aggregate classification (germline): Uncertain significance (1 of 4 stars; one submission).

Conditions:
Idiopathic generalized epilepsy. Also called: EIG; Generalised epilepsy. Identifiers: MedGen C0270850, MONDO:0005579, OMIM 600669.
Hyperaldosteronism, familial, type IV (HALD4). Also called: FH IV; ALDOSTERONISM, PRIMARY, AND HYPERTENSION. Identifiers: Orphanet 642671, MedGen C4310756, MONDO:0014875, OMIM 617027.

Allele frequency attached by ClinVar (database versions not stated): gnomAD exomes below 0.00001.
gnomAD v4.1: 1 of 1,611,322 alleles (0.000062%); highest among the groups gnomAD compares: Non-Finnish European, 0.000085%; no homozygotes.

Submission:

Labcorp Genetics (formerly Invitae), Labcorp
Classification: Uncertain significance for Idiopathic generalized epilepsy; Hyperaldosteronism, familial, type IV. Last evaluated: 2023-06-14. Review status: criteria provided, single submitter. Criteria: Invitae Variant Classification Sherloc (09022015). Collection method: clinical testing. Allele origin: germline.
Comment: This sequence change replaces aspartic acid, which is acidic and polar, with asparagine, which is neutral and polar, at codon 1679 of the CACNA1H protein (p.Asp1679Asn). This variant is present in population databases (rs60087479, gnomAD 0.0009%). This variant has not been reported in the literature in individuals affected with CACNA1H-related conditions. Advanced modeling of protein sequence and biophysical properties (such as structural, functional, and spatial information, amino acid conservation, physicochemical variation, residue mobility, and thermodynamic stability) has been performed at Invitae for this missense variant, however the output from this modeling did not meet the statistical confidence thresholds required to predict the impact of this variant on CACNA1H protein function. In summary, the available evidence is currently insufficient to determine the role of this variant in disease. Therefore, it has been classified as a Variant of Uncertain Significance.